The following is an entry in ClinVar:

NM_001734.5(C1S):c.294G>T (p.Glu98Asp)

Gene: C1S (complement C1s; plus strand). Cytogenetic location: 12p13.31.
Variant type: single nucleotide variant.
Coding change: c.294G>T on transcript NM_001734.5 (MANE Select); coding-DNA position 294, G replaced by T.
Protein change: p.Glu98Asp; replaces glutamic acid 98 with aspartic acid.
Molecular consequence: missense variant. On other transcripts: 5 prime UTR variant (1).
Genome position (GRCh38, 1-based): chr12:7,062,970, G>T. VCF-style: chr12-7062970-G-T. GRCh37 (hg19) VCF-style: chr12-7170274-G-T.
Other names: c.-208G>T (NM_001346850.2); c.294G>T, p.Glu98Asp (NM_201442.4); short protein forms E98D.
Identifiers: ClinVar variation 3665120 (VCV003665120.2).

ClinVar aggregate classification (germline): Uncertain significance (1 of 4 stars; one submission).

Submission:

Labcorp Genetics (formerly Invitae), Labcorp
Classification: Uncertain significance. Last evaluated: 2024-10-30. Review status: criteria provided, single submitter. Criteria: Invitae Variant Classification Sherloc (09022015). Collection method: clinical testing. Allele origin: germline.
Comment: This sequence change replaces glutamic acid, which is acidic and polar, with aspartic acid, which is acidic and polar, at codon 98 of the C1S protein (p.Glu98Asp). This variant is not present in population databases (gnomAD no frequency). This variant has not been reported in the literature in individuals affected with C1S-related conditions. Invitae Evidence Modeling of protein sequence and biophysical properties (such as structural, functional, and spatial information, amino acid conservation, physicochemical variation, residue mobility, and thermodynamic stability) has been performed for this missense variant. However, the output from this modeling did not meet the statistical confidence thresholds required to predict the impact of this variant on C1S protein function. In summary, the available evidence is currently insufficient to determine the role of this variant in disease. Therefore, it has been classified as a Variant of Uncertain Significance.